The following is an entry in ClinVar:

ClinVar aggregate classification (germline): Uncertain significance (1 of 4 stars; one submission).

Allele frequency attached by ClinVar (database versions not stated): TOPMed below 0.00001.

Submission:

Labcorp Genetics (formerly Invitae), Labcorp
Classification: Uncertain significance. Last evaluated: 2024-10-16. Review status: criteria provided, single submitter. Criteria: Invitae Variant Classification Sherloc (09022015). Collection method: clinical testing. Allele origin: germline.
Comment: This sequence change replaces serine, which is neutral and polar, with alanine, which is neutral and non-polar, at codon 1390 of the DSCAML1 protein (p.Ser1390Ala). This variant is not present in population databases (gnomAD no frequency). This variant has not been reported in the literature in individuals affected with DSCAML1-related conditions. ClinVar contains an entry for this variant (Variation ID: 1974673). An algorithm developed to predict the effect of missense changes on protein structure and function (PolyPhen-2) suggests that this variant is likely to be tolerated. In summary, the available evidence is currently insufficient to determine the role of this variant in disease. Therefore, it has been classified as a Variant of Uncertain Significance.

NM_020693.4(DSCAML1):c.3988T>G (p.Ser1330Ala)

Gene: DSCAML1 (DS cell adhesion molecule like 1; minus strand). Cytogenetic location: 11q23.3.
Variant type: single nucleotide variant.
Coding change: c.3988T>G on transcript NM_020693.4 (MANE Select); coding-DNA position 3988, T replaced by G.
Protein change: p.Ser1330Ala; replaces serine 1330 with alanine.
Molecular consequence: missense variant.
Genome position (GRCh38, 1-based): chr11:117,439,422, A>C on the plus strand (T>G on the coding strand, the complement: DSCAML1 is on the minus strand). VCF-style: chr11-117439422-A-C. GRCh37 (hg19) VCF-style: chr11-117310138-A-C.
Other names: short protein forms S1330A.
Identifiers: ClinVar variation 1974673 (VCV001974673.5), dbSNP rs2047996137, ClinGen allele CA382761495.